The following is an entry in ClinVar:

NM_004655.4(AXIN2):c.1004G>C (p.Arg335Thr)

Gene: AXIN2 (axin 2; minus strand). Cytogenetic location: 17q24.1.
Variant type: single nucleotide variant.
Coding change: c.1004G>C on transcript NM_004655.4 (MANE Select); coding-DNA position 1004, G replaced by C.
Protein change: p.Arg335Thr; replaces arginine 335 with threonine.
Molecular consequence: missense variant.
Genome position (GRCh38, 1-based): chr17:65,541,510, C>G on the plus strand (G>C on the coding strand, the complement: AXIN2 is on the minus strand). VCF-style: chr17-65541510-C-G. GRCh37 (hg19) VCF-style: chr17-63537628-C-G.
Other names: c.1004G>C, p.Arg335Thr (NM_001363813.1); short protein forms R335T.
Identifiers: ClinVar variation 818250 (VCV000818250.4), dbSNP rs1060502134, ClinGen allele CA400679284.
Genomic context (GRCh38, chr17:65,541,510, plus strand): 5'-CTCACCGGGAAATGAGGTAGAGACACTTGGCCATTGGCCTTCACACTGCGATGCATTTCT[C>G]TCTGGAGCTGTTTCTTACTGCCCACACGATAAGGAGGAATTCCATCTCTAAGGGAAAGGA-3'
Protein context (NP_004646.3, residues 325-345): YRVGSKKQLQ[Arg335Thr]EMHRSVKANG

ClinVar aggregate classification (germline): Uncertain significance (1 of 4 stars; one submission).

Conditions:
Hereditary cancer-predisposing syndrome. Also called: Tumor predisposition; Hereditary neoplastic syndrome; Neoplastic Syndromes, Hereditary; Hereditary Cancer Syndrome. Identifiers: Orphanet 140162, MedGen C0027672, MeSH D009386, MONDO:0015356.

Submission:

Ambry Genetics
Classification: Uncertain significance for Hereditary cancer-predisposing syndrome. Last evaluated: 2022-03-23. Review status: criteria provided, single submitter. Criteria: Ambry Variant Classification Scheme 2023. Collection method: clinical testing. Allele origin: germline.
Comment: The p.R335T variant (also known as c.1004G>C), located in coding exon 3 of the AXIN2 gene, results from a G to C substitution at nucleotide position 1004. The arginine at codon 335 is replaced by threonine, an amino acid with similar properties. This amino acid position is highly conserved in available vertebrate species. In addition, this alteration is predicted to be deleterious by in silico analysis. Since supporting evidence is limited at this time, the clinical significance of this alteration remains unclear.